The following is an entry in ClinVar:

NM_144691.4(CAPN12):c.561-5C>T

Gene: CAPN12 (calpain 12; minus strand). Cytogenetic location: 19q13.2.
Variant type: single nucleotide variant.
Coding change: c.561-5C>T on transcript NM_144691.4 (MANE Select); 5 bases into the intron before coding-DNA position 561, C replaced by T.
Molecular consequence: intron variant.
Genome position (GRCh38, 1-based): chr19:38,740,224, G>A on the plus strand (C>T on the coding strand, the complement: CAPN12 is on the minus strand). VCF-style: chr19-38740224-G-A. GRCh37 (hg19) VCF-style: chr19-39230864-G-A.
Identifiers: ClinVar variation 790206 (VCV000790206.6), dbSNP rs142367713, ClinGen allele CA9419147.

ClinVar aggregate classification (germline): Benign. Review status: criteria provided, single submitter (1 of 4 stars). 2 submissions from 2 submitters: Benign (1). 1 of the submissions does not count toward it. Last evaluated 2019-12-31.

Conditions:
CAPN12-related disorder. Also called: CAPN12-related condition.

Allele frequency attached by ClinVar (database versions not stated): ESP Exome Variant Server 0.00631; 1000 Genomes Project 0.00639; TOPMed 0.00682; 1000 Genomes Project 30x 0.00687.
gnomAD v4.1: 1,889 of 1,597,862 alleles (0.12%); highest among the groups gnomAD compares: African/African-American, 1.9%; 11 homozygotes.

Submissions (2):

Labcorp Genetics (formerly Invitae), Labcorp
Classification: Benign. Last evaluated: 2019-12-31. Review status: criteria provided, single submitter. Criteria: Invitae Variant Classification Sherloc (09022015). Collection method: clinical testing. Allele origin: germline.

PreventionGenetics, part of Exact Sciences
Classification: Benign for CAPN12-related condition. Last evaluated: 2019-07-16. Review status: no assertion criteria provided. Collection method: clinical testing. Allele origin: germline. Not counted in ClinVar's aggregate classification.
Comment: This variant is classified as benign based on ACMG/AMP sequence variant interpretation guidelines (Richards et al. 2015 PMID: 25741868, with internal and published modifications).